The following is an entry in ClinVar:

ClinVar aggregate classification (germline): Uncertain significance (1 of 4 stars; one submission).

Conditions:
Hereditary breast ovarian cancer syndrome. Also called: Breast and ovarian cancer; BRCA1- and BRCA2-Associated Hereditary Breast and Ovarian Cancer; Hereditary breast and ovarian cancer; Hereditary breast and ovarian cancer syndrome (HBOC); Hereditary breast and/or ovarian cancer syndrome; Hereditary breast and ovarian cancer syndrome. Identifiers: Orphanet 145, MedGen C0677776, MeSH D061325, MONDO:0003582. Disease mechanism: loss of function.

Submission:

Labcorp Genetics (formerly Invitae), Labcorp
Classification: Uncertain significance for Hereditary breast ovarian cancer syndrome. Last evaluated: 2019-11-19. Review status: criteria provided, single submitter. Criteria: Invitae Variant Classification Sherloc (09022015). Collection method: clinical testing. Allele origin: germline.
Comment: In summary, the available evidence is currently insufficient to determine the role of this variant in disease. Therefore, it has been classified as a Variant of Uncertain Significance. This variant is not present in population databases (ExAC no frequency). Experimental studies and prediction algorithms are not available or were not evaluated, and the functional significance of this variant is currently unknown. This variant has not been reported in the literature in individuals with BRCA2-related conditions. This variant, c.9946_9948del, results in the deletion of 1 amino acid(s) of the BRCA2 protein (p.Glu3316del), but otherwise preserves the integrity of the reading frame.

NM_000059.4(BRCA2):c.9946_9948del (p.Glu3316del)

Gene: BRCA2 (BRCA2 DNA repair associated; plus strand). Cytogenetic location: 13q13.1.
Variant type: Deletion.
Coding change: c.9946_9948del on transcript NM_000059.4 (MANE Select); coding-DNA positions 9946 to 9948, 3 bases deleted (GAA; older notation c.9946_9948delGAA).
Protein change: p.Glu3316del; deletes glutamic acid 3316.
Molecular consequence: inframe deletion.
Genome position (GRCh38, 1-based): chr13:32,398,459-32,398,461, GAA deleted; deleting any 3 consecutive bases within chr13:32,398,457-32,398,461 gives the same sequence; the c. name uses the placement nearest the transcript's 3' end. VCF-style (leftmost placement, unchanged base first): chr13-32398456-AAAG-A. GRCh37 (hg19) VCF-style: chr13-32972593-AAAG-A.
Other names: short protein forms E3316del.
Identifiers: ClinVar variation 858189 (VCV000858189.10), dbSNP rs2073053489, ClinGen allele CA916080545.